The following is an entry in ClinVar:

ClinVar aggregate classification (germline): Uncertain significance (1 of 4 stars; one submission).

Conditions:
Biotin-responsive basal ganglia disease (BTBGD). Also called: THIAMINE METABOLISM DYSFUNCTION SYNDROME 2 (BIOTIN- AND THIAMINE-RESPONSIVE TYPE); Thiamine metabolism dysfunction syndrome 2 (biotin- or thiamine-responsive encephalopathy type 2); thiamine-responsive encephalopathy; Thiamine metabolism dysfunction syndrome type 2; Thiamine Transporter-2 Deficiency. Identifiers: Orphanet 199348, Orphanet 65284, MedGen C1843807, MONDO:0011841, OMIM 607483.

Submission:

Labcorp Genetics (formerly Invitae), Labcorp
Classification: Uncertain significance for Biotin-responsive basal ganglia disease. Last evaluated: 2022-09-13. Review status: criteria provided, single submitter. Criteria: Invitae Variant Classification Sherloc (09022015). Collection method: clinical testing. Allele origin: germline.
Comment: This sequence change replaces tyrosine, which is neutral and polar, with histidine, which is basic and polar, at codon 136 of the SLC19A3 protein (p.Tyr136His). This variant is not present in population databases (gnomAD no frequency). This variant has not been reported in the literature in individuals affected with SLC19A3-related conditions. ClinVar contains an entry for this variant (Variation ID: 1398209). Advanced modeling of protein sequence and biophysical properties (such as structural, functional, and spatial information, amino acid conservation, physicochemical variation, residue mobility, and thermodynamic stability) performed at Invitae indicates that this missense variant is expected to disrupt SLC19A3 protein function. In summary, the available evidence is currently insufficient to determine the role of this variant in disease. Therefore, it has been classified as a Variant of Uncertain Significance.

NM_025243.4(SLC19A3):c.406T>C (p.Tyr136His)

Gene: SLC19A3 (solute carrier family 19 member 3; minus strand). Cytogenetic location: 2q36.3.
Variant type: single nucleotide variant.
Coding change: c.406T>C on transcript NM_025243.4 (MANE Select); coding-DNA position 406, T replaced by C.
Protein change: p.Tyr136His; replaces tyrosine 136 with histidine.
Molecular consequence: missense variant.
Genome position (GRCh38, 1-based): chr2:227,699,309, A>G on the plus strand (T>C on the coding strand, the complement: SLC19A3 is on the minus strand). VCF-style: chr2-227699309-A-G. GRCh37 (hg19) VCF-style: chr2-228564025-A-G.
Other names: c.406T>C, p.Tyr136His (NM_001371411.1, NM_001371412.1); c.394T>C, p.Tyr132His (NM_001371413.1, NM_001371414.1); short protein forms Y132H, Y136H.
Identifiers: ClinVar variation 1398209 (VCV001398209.5), dbSNP rs2106329282, ClinGen allele CA350877281.